The following is an entry in ClinVar:

ClinVar aggregate classification (germline): Uncertain significance (1 of 4 stars; one submission).

Conditions:
Spastic paraplegia. Identifiers: MedGen C0037772, HP:0001258.
Combined oxidative phosphorylation defect type 7. Identifiers: Orphanet 254930, MedGen C3150801, MONDO:0013306, OMIM 613559.

Allele frequency attached by ClinVar (database versions not stated): TOPMed below 0.00001.

Submission:

Labcorp Genetics (formerly Invitae), Labcorp
Classification: Uncertain significance for Combined oxidative phosphorylation defect type 7; Spastic paraplegia. Last evaluated: 2022-11-01. Review status: criteria provided, single submitter. Criteria: Invitae Variant Classification Sherloc (09022015). Collection method: clinical testing. Allele origin: germline.
Comment: Algorithms developed to predict the effect of missense changes on protein structure and function output the following: SIFT: "Tolerated"; PolyPhen-2: "Benign"; Align-GVGD: "Class C0". The proline amino acid residue is found in multiple mammalian species, which suggests that this missense change does not adversely affect protein function. This sequence change replaces serine, which is neutral and polar, with proline, which is neutral and non-polar, at codon 54 of the C12orf65 protein (p.Ser54Pro). This variant is not present in population databases (gnomAD no frequency). This variant has not been reported in the literature in individuals affected with C12orf65-related conditions. In summary, the available evidence is currently insufficient to determine the role of this variant in disease. Therefore, it has been classified as a Variant of Uncertain Significance.

NM_152269.5(MTRFR):c.160T>C (p.Ser54Pro)

Gene: MTRFR (mitochondrial translation release factor in rescue; plus strand). Cytogenetic location: 12q24.31.
Variant type: single nucleotide variant.
Coding change: c.160T>C on transcript NM_152269.5 (MANE Select); coding-DNA position 160, T replaced by C.
Protein change: p.Ser54Pro; replaces serine 54 with proline.
Molecular consequence: missense variant.
Genome position (GRCh38, 1-based): chr12:123,253,834, T>C. VCF-style: chr12-123253834-T-C. GRCh37 (hg19) VCF-style: chr12-123738381-T-C.
Other names: c.160T>C, p.Ser54Pro (NM_001143905.2, NM_001194995.1); short protein forms S54P.
Identifiers: ClinVar variation 2063839 (VCV002063839.4), dbSNP rs2048146576, ClinGen allele CA387118626.